The following is an entry in ClinVar:

NM_000540.3(RYR1):c.161C>T (p.Ala54Val)

Gene: RYR1 (ryanodine receptor 1; plus strand). Cytogenetic location: 19q13.2.
Variant type: single nucleotide variant.
Coding change: c.161C>T on transcript NM_000540.3 (MANE Select); coding-DNA position 161, C replaced by T.
Protein change: p.Ala54Val; replaces alanine 54 with valine.
Molecular consequence: missense variant.
Genome position (GRCh38, 1-based): chr19:38,440,860, C>T. VCF-style: chr19-38440860-C-T. GRCh37 (hg19) VCF-style: chr19-38931500-C-T.
Other names: c.161C>T, p.Ala54Val (NM_001042723.2); short protein forms A54V.
Identifiers: ClinVar variation 597997 (VCV000597997.6), dbSNP rs1032364286, ClinGen allele CA308106844.
Genomic context (GRCh38, chr19:38,440,860, plus strand): 5'-TCTGCCTGGCCGCCGAGGGCTTCGGCAACCGCCTGTGCTTCCTGGAGCCCACTAGCAACG[C>T]GCAGGTCTGTGCAGGAGGGAGAGGGGCCTGGGGACAGGGGCGTCTGAAGGGGCAGAGAAT-3'
Protein context (NP_000531.2, residues 44-64): RLCFLEPTSN[Ala54Val]QNVPPDLAIC

ClinVar aggregate classification (germline): Uncertain significance. Review status: criteria provided, multiple submitters, no conflicts (2 of 4 stars). 2 submissions from 2 submitters: Uncertain significance (2). Last evaluated 2025-09-24.

Conditions:
Malignant hyperthermia, susceptibility to, 1 (MHS1). Also called: Anesthesia related hyperthermia; Malignant hyperpyrexia; Fulminating hyperpyrexia; Pharmacogenic myopathy; RYR1-Related Malignant Hyperthermia Susceptibility; Malignant hyperthermia suceptibility 1. Identifiers: Orphanet 423, MedGen C2930980, MONDO:0007783, OMIM 145600.

Allele frequency attached by ClinVar (database versions not stated): TOPMed 0.00001.
gnomAD v4.1: 10 of 1,611,950 alleles (0.00062%); highest among the groups gnomAD compares: South Asian, 0.0022%; no homozygotes.

Submissions (2):

Color Diagnostics, LLC DBA Color Health
Classification: Uncertain significance for Malignant hyperthermia, susceptibility to, 1. Last evaluated: 2025-09-24. Review status: criteria provided, single submitter. Criteria: ACMG Guidelines, 2015. Collection method: clinical testing. Allele origin: germline.
Comment: This missense variant replaces alanine with valine at codon 54 of the RYR1 protein. Computational prediction suggests that this variant may have deleterious impact on protein structure and function. To our knowledge, functional studies have not been reported for this variant. This variant has not been reported in individuals affected with RYR1-related disorders in the literature. This variant has not been identified in the general population by the Genome Aggregation Database (gnomAD). The available evidence is insufficient to determine the role of this variant in disease conclusively. Therefore, this variant is classified as a Variant of Uncertain Significance.

Eurofins Ntd Llc (ga)
Classification: Uncertain significance. Last evaluated: 2018-07-11. Review status: criteria provided, single submitter. Criteria: EGL ClinVar v180209 classification definitions. Collection method: clinical testing. Allele origin: germline. Observed: 1 variant allele, 1 heterozygote.